The following is an entry in ClinVar:

ClinVar aggregate classification (germline): Uncertain significance (1 of 4 stars; one submission).

Submission:

Labcorp Genetics (formerly Invitae), Labcorp
Classification: Uncertain significance. Last evaluated: 2022-08-16. Review status: criteria provided, single submitter. Criteria: Invitae Variant Classification Sherloc (09022015). Collection method: clinical testing. Allele origin: germline.
Comment: In summary, the available evidence is currently insufficient to determine the role of this variant in disease. Therefore, it has been classified as a Variant of Uncertain Significance. Algorithms developed to predict the effect of missense changes on protein structure and function are either unavailable or do not agree on the potential impact of this missense change (SIFT: "Deleterious"; PolyPhen-2: "Not Available"; Align-GVGD: "Class C65"). This variant has not been reported in the literature in individuals affected with CDH23-related conditions. This variant is not present in population databases (gnomAD no frequency). This sequence change replaces serine, which is neutral and polar, with cysteine, which is neutral and slightly polar, at codon 395 of the CDH23 protein (p.Ser395Cys).

NM_022124.6(CDH23):c.1184C>G (p.Ser395Cys)

Gene: CDH23 (cadherin related 23; plus strand). Cytogenetic location: 10q22.1.
Variant type: single nucleotide variant.
Coding change: c.1184C>G on transcript NM_022124.6 (MANE Select); coding-DNA position 1184, C replaced by G.
Protein change: p.Ser395Cys; replaces serine 395 with cysteine.
Molecular consequence: missense variant.
Genome position (GRCh38, 1-based): chr10:71,645,874, C>G. VCF-style: chr10-71645874-C-G. GRCh37 (hg19) VCF-style: chr10-73405631-C-G.
Other names: c.1184C>G, p.Ser395Cys (NM_001171930.2, NM_001171931.2, NM_052836.4); short protein forms S395C.
Identifiers: ClinVar variation 2044932 (VCV002044932.4), dbSNP rs1564706920, ClinGen allele CA377127567.
Genomic context (GRCh38, chr10:71,645,874, plus strand): 5'-CTGCACTCTTGACCCAGGGCCTGAACAGCATGTTTGAGGTGTACTTGGTGGGGAACAACT[C>G]CCACCACTTCATCATCTCCCCGACCTCCGTCCAGGGGAAGGCGGACATTCGTATTCGGGT-3'
Protein context (NP_071407.4, residues 385-405): MFEVYLVGNN[Ser395Cys]HHFIISPTSV